The following is an entry in ClinVar:

ClinVar aggregate classification (germline): Uncertain significance (1 of 4 stars; one submission).

Conditions:
Megaloblastic anemia, thiamine-responsive, with diabetes mellitus and sensorineural deafness (TRMA). Also called: ROGERS SYNDROME; THIAMINE-RESPONSIVE ANEMIA SYNDROME; THIAMINE-RESPONSIVE MYELODYSPLASIA; THIAMINE METABOLISM DYSFUNCTION SYNDROME 1 (MEGALOBLASTIC ANEMIA, DIABETES MELLITUS, AND DEAFNESS TYPE); Thiamine-Responsive Megaloblastic Anemia Syndrome. Identifiers: Orphanet 49827, MedGen C0342287, MONDO:0009575, OMIM 249270.

gnomAD v4.1: 4 of 1,586,980 alleles (0.00025%); highest among the groups gnomAD compares: Non-Finnish European, 0.00026%; no homozygotes.

Submission:

ARUP Laboratories, Molecular Genetics and Genomics, ARUP Laboratories
Classification: Uncertain significance for Megaloblastic anemia, thiamine-responsive, with diabetes mellitus and sensorineural deafness. Last evaluated: 2025-07-30. Review status: criteria provided, single submitter. Criteria: ARUP Molecular Germline Variant Investigation Process 2024. Collection method: clinical testing. Allele origin: germline.
Comment: The SLC19A2 c.183C>G; p.Asp61Glu variant (rs1487399665), to our knowledge, is not reported in the medical literature or gene specific databases. This variant is absent from the Genome Aggregation Database (v2.1.1), but is considered a low confidence variant in the database. Computational analyses are uncertain whether this variant is neutral or deleterious (REVEL: 0.161). Due to limited information, the clinical significance of this variant is uncertain at this time.

NM_006996.3(SLC19A2):c.183C>G (p.Asp61Glu)

Gene: SLC19A2 (solute carrier family 19 member 2; minus strand). Cytogenetic location: 1q24.2.
Variant type: single nucleotide variant.
Coding change: c.183C>G on transcript NM_006996.3 (MANE Select); coding-DNA position 183, C replaced by G.
Protein change: p.Asp61Glu; replaces aspartic acid 61 with glutamic acid.
Molecular consequence: missense variant.
Genome position (GRCh38, 1-based): chr1:169,485,584, G>C on the plus strand (C>G on the coding strand, the complement: SLC19A2 is on the minus strand). VCF-style: chr1-169485584-G-C. GRCh37 (hg19) VCF-style: chr1-169454822-G-C.
Other names: c.183C>G, p.Asp61Glu (NM_001319667.1); short protein forms D61E.
Identifiers: ClinVar variation 4685995 (VCV004685995.1).
Genomic context (GRCh38, chr1:169,485,584, plus strand): 5'-TCGCCCGCCCTTCCCGCGCCCCGCGTCCGCCGCGCGTACCTCCCTCTCGGTCAGGTTCTT[G>C]TCCGGCCCCAGCAGGTACGGGGTCAGGAAGGGCTCGGACGGCCTGAGGCTGGCGAAGAAG-3'
Protein context (NP_008927.1, residues 51-71): PFLTPYLLGP[Asp61Glu]KNLTEREVFN